The following is an entry in ClinVar:

NM_007294.4(BRCA1):c.1523del (p.Pro508fs)

Gene: BRCA1 (BRCA1 DNA repair associated; minus strand). Cytogenetic location: 17q21.31.
Variant type: Deletion.
Coding change: c.1523del on transcript NM_007294.4 (MANE Select); coding-DNA position 1523, one base deleted (C; older notation c.1523delC).
Protein change: p.Pro508fs; shifts the reading frame from proline 508.
Molecular consequence: frameshift variant. On other transcripts: intron variant (137).
Genome position (GRCh38, 1-based): chr17:43,094,008, G deleted on the plus strand (C on the coding strand, the reverse complement: BRCA1 is on the minus strand); the first of 2 consecutive G bases (chr17:43,094,008-43,094,009); deleting either gives the same sequence. VCF-style (leftmost placement, unchanged base first): chr17-43094007-AG-A. GRCh37 (hg19) VCF-style: chr17-41246024-AG-A.
Other names: 1642delC; c.1523delC (NM_007294.3); c.1187del, p.Pro396fs (NM_001407955.1, NM_001407956.1, NM_001407958.1 and 1 more transcripts); c.1190del, p.Pro397fs (NM_001407957.1, NM_001407946.1, NM_001407947.1 and 6 more transcripts); c.1142del, p.Pro381fs (NM_001407959.1, NM_001407960.1, NM_001407963.1); c.1139del, p.Pro380fs (NM_001407962.1); c.1379del, p.Pro460fs (NM_001407964.1, NM_001407740.1, NM_001407741.1 and 20 more transcripts); c.1019del, p.Pro340fs (NM_001407965.1); and 42 more; short protein forms P461fs, P508fs, P381fs, P397fs, P419fs, P441fs, P482fs, P505fs.
Identifiers: ClinVar variation 54285 (VCV000054285.20), dbSNP rs80357782, ClinGen allele CA001029.

ClinVar aggregate classification (germline): Pathogenic. Review status: reviewed by expert panel (3 of 4 stars). 8 submissions from 8 submitters: Pathogenic (1). 7 of the submissions do not count toward it. Last evaluated 2016-09-08.

Conditions:
Hereditary cancer-predisposing syndrome. Also called: Tumor predisposition; Neoplastic Syndromes, Hereditary; Hereditary Cancer Syndrome; Hereditary neoplastic syndrome. Identifiers: Orphanet 140162, MedGen C0027672, MeSH D009386, MONDO:0015356.
Hereditary breast ovarian cancer syndrome. Also called: Hereditary breast and ovarian cancer syndrome (HBOC); Hereditary breast and ovarian cancer syndrome; Hereditary breast and ovarian cancer; Hereditary breast and/or ovarian cancer syndrome; Breast and ovarian cancer; BRCA1- and BRCA2-Associated Hereditary Breast and Ovarian Cancer. Identifiers: Orphanet 145, MedGen C0677776, MeSH D061325, MONDO:0003582. Disease mechanism: loss of function.
Breast-ovarian cancer, familial, susceptibility to, 1 (BROVCA1). Also called: OVARIAN CANCER, SUSCEPTIBILITY TO; BRCA1 Hereditary Breast and Ovarian Cancer. Identifiers: Orphanet 145, MedGen C2676676, MONDO:0011450, OMIM 604370. Disease mechanism: loss of function.

Submissions (8):

Evidence-based Network for the Interpretation of Germline Mutant Alleles (ENIGMA)
Classification: Pathogenic for Breast-ovarian cancer, familial, susceptibility to, 1. Last evaluated: 2016-09-08. Review status: reviewed by expert panel. Criteria: ENIGMA BRCA1/2 Classification Criteria (2015). Collection method: curation. Allele origin: germline.
Comment: Variant allele predicted to encode a truncated non-functional protein.

Variantyx, Inc.
Classification: Pathogenic for Breast-ovarian cancer, familial, susceptibility to, 1. Last evaluated: 2025-11-21. Review status: criteria provided, single submitter. Criteria: Variantyx Assertion Criteria 2022. Collection method: clinical testing. Allele origin: germline. Inheritance: Autosomal dominant inheritance. Not counted in ClinVar's aggregate classification.
Comment: This is a frameshift variant in the BRCA1 gene (OMIM: 113705). Pathogenic variants in this gene have been associated with autosomal dominant susceptibility to familial breast-ovarian cancer 1. This variant introduces a premature termination codon in exon 10 out of 23 and is expected to result in loss of function, which is a known disease mechanism for BRCA1 (PMID: 20104584) (PVS1). The alteration has been reportedf in multiple famileis affected with hereditary breast and ovarianc cancer syndrome (PMID:24884828;29446198) while it is absent from control populations (PM2). Other reputable laboratories have reported this variant as pathogenic or likely pathogenic, and this classification has been validated by an expert panel in ClinVar (PP5). Based on the current evidence, this variant is classified as pathogenic for autosomal dominant susceptibility to familial breast-ovarian cancer 1.

Ambry Genetics
Classification: Pathogenic for Hereditary cancer-predisposing syndrome. Last evaluated: 2024-03-26. Review status: criteria provided, single submitter. Criteria: Ambry Variant Classification Scheme 2023. Collection method: clinical testing. Allele origin: germline. Not counted in ClinVar's aggregate classification.
Comment: The c.1523delC pathogenic mutation, located in coding exon 9 of the BRCA1 gene, results from a deletion of one nucleotide at nucleotide position 1523, causing a translational frameshift with a predicted alternate stop codon (p.P508Lfs*24). Additionally, this alteration was identified in multiple studies of BRCA1/2 mutation positive families (Rebbeck et al. Hum. Mutat. 2018 05;39(5):593-620; Laitman et al. Hum. Mutat. 2019 Jun). This variant is considered to be rare based on population cohorts in the Genome Aggregation Database (gnomAD). In addition to the clinical data presented in the literature, this alteration is expected to result in loss of function by premature protein truncation or nonsense-mediated mRNA decay. As such, this alteration is interpreted as a disease-causing mutation.

Women's Health and Genetics/Laboratory Corporation of America, LabCorp
Classification: Pathogenic for Hereditary breast ovarian cancer syndrome. Last evaluated: 2023-09-26. Review status: criteria provided, single submitter. Criteria: LabCorp Variant Classification Summary - May 2015. Collection method: clinical testing. Allele origin: germline. Not counted in ClinVar's aggregate classification.
Comment: Variant summary: BRCA1 c.1523delC (p.Pro508LeufsX24) results in a premature termination codon, predicted to cause a truncation of the encoded protein or absence of the protein due to nonsense mediated decay, which are commonly known mechanisms for disease. The variant was absent in 250932 control chromosomes (gnomAD). c.1523delC has been reported in the literature in multiple families affected with Hereditary Breast And Ovarian Cancer Syndrome (e.g. Cecener_2014, Rebbeck_2018). These data indicate that the variant is likely to be associated with disease. To our knowledge, no experimental evidence demonstrating an impact on protein function has been reported. The following publications have been ascertained in the context of this evaluation (PMID: 24884828, 29446198). Five ClinVar submitters have assessed the variant since 2014, including one expert panel (ENIGMA) and one consortium (CIMBA), and all five classified the variant as pathogenic. Based on the evidence outlined above, the variant was classified as pathogenic.

Labcorp Genetics (formerly Invitae), Labcorp
Classification: Pathogenic for Hereditary breast ovarian cancer syndrome. Last evaluated: 2021-02-05. Review status: criteria provided, single submitter. Criteria: Invitae Variant Classification Sherloc (09022015). Collection method: clinical testing. Allele origin: germline. Not counted in ClinVar's aggregate classification.
Comment: This sequence change creates a premature translational stop signal (p.Pro508Leufs*24) in the BRCA1 gene. It is expected to result in an absent or disrupted protein product. Loss-of-function variants in BRCA1 are known to be pathogenic (PMID: 20104584). This variant is not present in population databases (ExAC no frequency). This variant has been reported in an individual affected with breast cancer (PMID: 24884828). This variant is also known as 1642delC and c.1523del. ClinVar contains an entry for this variant (Variation ID: 54285). For these reasons, this variant has been classified as Pathogenic.

Quest Diagnostics Nichols Institute San Juan Capistrano
Classification: Pathogenic for Breast-ovarian cancer, familial, susceptibility to, 1. Last evaluated: 2016-04-09. Review status: criteria provided, single submitter. Criteria: Quest Diagnostics criteria. Collection method: clinical testing. Allele origin: germline. Inheritance: Autosomal dominant inheritance. Not counted in ClinVar's aggregate classification.

Consortium of Investigators of Modifiers of BRCA1/2 (CIMBA), c/o University of Cambridge
Classification: Pathogenic for Breast-ovarian cancer, familial, susceptibility to, 1. Last evaluated: 2015-10-02. Review status: criteria provided, single submitter. Criteria: CIMBA Mutation Classification guidelines May 2016. Collection method: clinical testing. Allele origin: germline. Not counted in ClinVar's aggregate classification.

Breast Cancer Information Core (BIC) (BRCA1)
Classification: Pathogenic for Breast-ovarian cancer, familial 1. Last evaluated: 2006-07-19. Review status: no assertion criteria provided. Collection method: clinical testing. Allele origin: unknown. Affected: yes. Observed: 1 variant allele. Not counted in ClinVar's aggregate classification.

Literature cited by the submitters: PubMed 20104584 (cited by Variantyx, Inc. and Labcorp Genetics (formerly Invitae), Labcorp); PubMed 24884828 (cited by 4 submitters); PubMed 29446198 (cited by Variantyx, Inc. and Women's Health and Genetics/Laboratory Corporation of America, LabCorp); PubMed 26295337 (cited by Quest Diagnostics Nichols Institute San Juan Capistrano); PubMed 15383404 (cited by Breast Cancer Information Core (BIC) (BRCA1)).